The following is an entry in ClinVar:

NM_020923.3(ZDBF2):c.6430_6434del (p.Arg2144fs)

Gene: ZDBF2 (zinc finger DBF-type containing 2; plus strand). Cytogenetic location: 2q33.3.
Variant type: Microsatellite.
Coding change: c.6430_6434del on transcript NM_020923.3 (MANE Select); coding-DNA positions 6430 to 6434, 5 bases deleted (AGAAA; older notation c.6430_6434delAGAAA).
Protein change: p.Arg2144fs; shifts the reading frame from arginine 2144.
Molecular consequence: frameshift variant.
Genome position (GRCh38, 1-based): chr2:206,310,958-206,310,962, AGAAA deleted; deleting any 5 consecutive bases within chr2:206,310,951-206,310,962 gives the same sequence; the c. name uses the placement nearest the transcript's 3' end. VCF-style (leftmost placement, unchanged base first): chr2-206310950-CAAAGA-C. GRCh37 (hg19) VCF-style: chr2-207175674-CAAAGA-C.
Other names: c.6424_6428del, p.Arg2142fs (NM_001285549.2); c.6430_6434del, p.Arg2144fs (NM_001369654.1); short protein forms R2142fs, R2144fs.
Identifiers: ClinVar variation 4708056 (VCV004708056.1).
Genomic context (GRCh38, chr2:206,310,950, plus strand): 5'-GAACCAGTGACTCTTCTCTGTTTCTGGAAGAATCAAAGGTTCTGCATGCTCGTGAGCTTC[CAAAGA>C]AAAGAAATTTCCAGCTAACATTTTTAAATCATGATGTTGTCAAAATCTCTCCAAAATCAG-3'

ClinVar aggregate classification (germline): Uncertain significance (1 of 4 stars; one submission).

Submission:

Labcorp Genetics (formerly Invitae), Labcorp
Classification: Uncertain significance. Last evaluated: 2025-11-28. Review status: criteria provided, single submitter. Criteria: Invitae Variant Classification Sherloc (09022015). Collection method: clinical testing. Allele origin: germline.
Comment: This sequence change creates a premature translational stop signal (p.Arg2144Phefs*9) in the ZDBF2 gene. While this is not anticipated to result in nonsense mediated decay, it is expected to disrupt the last 211 amino acid(s) of the ZDBF2 protein. This variant is present in population databases (rs767256483, gnomAD 0.009%). This variant has not been reported in the literature in individuals affected with ZDBF2-related conditions. Experimental studies and prediction algorithms are not available or were not evaluated, and the functional significance of this variant is currently unknown. In summary, the available evidence is currently insufficient to determine the role of this variant in disease. Therefore, it has been classified as a Variant of Uncertain Significance.